The following is an entry in ClinVar:

ClinVar aggregate classification (germline): Conflicting classifications of pathogenicity. Review status: criteria provided, conflicting classifications (1 of 4 stars). 3 submissions from 3 submitters: Uncertain significance (1); Likely benign (2). Last evaluated 2025-11-24.

Conditions:
Neuroblastoma, susceptibility to, 3. Also called: ALK-Related Neuroblastic Tumor Susceptibility. Identifiers: Orphanet 635, MedGen C2751681, MONDO:0013083, OMIM 613014.
Hereditary cancer-predisposing syndrome. Also called: Neoplastic Syndromes, Hereditary; Hereditary Cancer Syndrome; Hereditary neoplastic syndrome; Tumor predisposition. Identifiers: Orphanet 140162, MedGen C0027672, MeSH D009386, MONDO:0015356.

Allele frequency attached by ClinVar (database versions not stated): gnomAD exomes below 0.00001 and 0.00001; ExAC 0.00001; gnomAD 0.00001.
gnomAD v4.1: 6 of 1,614,100 alleles (0.00037%); highest among the groups gnomAD compares: South Asian, 0.0066%; no homozygotes.

Submissions (3):

Labcorp Genetics (formerly Invitae), Labcorp
Classification: Likely benign for Neuroblastoma, susceptibility to, 3. Last evaluated: 2025-11-24. Review status: criteria provided, single submitter. Criteria: Invitae Variant Classification Sherloc (09022015). Collection method: clinical testing. Allele origin: germline.

GeneDx
Classification: Uncertain significance. Last evaluated: 2022-11-15. Review status: criteria provided, single submitter. Criteria: GeneDx Variant Classification Process June 2021. Collection method: clinical testing. Allele origin: germline. Affected: yes.
Comment: Not observed at significant frequency in large population cohorts (gnomAD); In silico analysis supports that this variant does not alter splicing; Has not been previously published as pathogenic or benign to our knowledge

Ambry Genetics
Classification: Likely benign for Hereditary cancer-predisposing syndrome. Last evaluated: 2022-09-26. Review status: criteria provided, single submitter. Criteria: Ambry Variant Classification Scheme 2023. Collection method: clinical testing. Allele origin: germline.

NM_004304.5(ALK):c.1311G>A (p.Leu437=)

Gene: ALK (ALK receptor tyrosine kinase; minus strand). Cytogenetic location: 2p23.2.
Variant type: single nucleotide variant.
Coding change: c.1311G>A on transcript NM_004304.5 (MANE Select); coding-DNA position 1311, G replaced by A.
Protein change: p.Leu437=; no amino-acid change (leucine 437 retained).
Molecular consequence: synonymous variant.
Genome position (GRCh38, 1-based): chr2:29,328,453, C>T on the plus strand (G>A on the coding strand, the complement: ALK is on the minus strand). VCF-style: chr2-29328453-C-T. GRCh37 (hg19) VCF-style: chr2-29551319-C-T.
Identifiers: ClinVar variation 1114212 (VCV001114212.11), dbSNP rs757241673, ClinGen allele CA1594684.